The following is an entry in ClinVar:

NM_006940.6(SOX5):c.1691T>C (p.Met564Thr)

Gene: SOX5 (SRY-box transcription factor 5; minus strand). Cytogenetic location: 12p12.1.
Variant type: single nucleotide variant.
Coding change: c.1691T>C on transcript NM_006940.6 (MANE Select); coding-DNA position 1691, T replaced by C.
Protein change: p.Met564Thr; replaces methionine 564 with threonine.
Molecular consequence: missense variant.
Genome position (GRCh38, 1-based): chr12:23,543,291, A>G on the plus strand (T>C on the coding strand, the complement: SOX5 is on the minus strand). VCF-style: chr12-23543291-A-G. GRCh37 (hg19) VCF-style: chr12-23696225-A-G.
Other names: c.533T>C, p.Met178Thr (NM_178010.4); c.1328T>C, p.Met443Thr (NM_001261414.3); c.1661T>C, p.Met554Thr (NM_001261415.3); c.1586T>C, p.Met529Thr (NM_001330785.2); c.1652T>C, p.Met551Thr (NM_152989.5); short protein forms M178T, M443T, M529T, M551T, M554T, M564T.
Identifiers: ClinVar variation 3382648 (VCV003382648.3).

ClinVar aggregate classification (germline): Pathogenic/Likely pathogenic. Review status: criteria provided, multiple submitters, no conflicts (2 of 4 stars). 2 submissions from 2 submitters: Pathogenic (1); Likely pathogenic (1). Last evaluated 2025-03-04.

Conditions:
Lamb-Shaffer syndrome. Identifiers: Orphanet 313884, Orphanet 313892, Orphanet 530983, MedGen C4225202, MONDO:0014778, OMIM 616803.

Submissions (2):

Center for Genomic Medicine, Rigshospitalet, Copenhagen University Hospital
Classification: Pathogenic. Last evaluated: 2025-03-04. Review status: criteria provided, single submitter. Criteria: ACMG Guidelines, 2015. Collection method: clinical testing. Allele origin: germline.

Juno Genomics, Hangzhou Juno Genomics, Inc
Classification: Likely pathogenic for Lamb-Shaffer syndrome. Review status: criteria provided, single submitter. Criteria: ACMG Guidelines, 2015. Collection method: clinical testing. Allele origin: germline. Affected: yes.
Comment: Absent from controls (or at extremely low frequency if recessive) in Genome Aggregation Database, Exome Sequencing Project, 1000 Genomes Project, or Exome Aggregation Consortium.;De novo (both maternity and paternity confirmed) in a patient with the disease and no family history.;Located in a mutational hot spot and/or critical and well-established functional domain (e.g. active site of an enzyme) without benign variation.;Multiple lines of computational evidence support a deleterious effect on the gene or gene product (conservation, evolutionary, splicing impact, etc).;Missense variant in a gene that has a low rate of benign missense variation and where missense variants are a common mechanism of disease.

Literature cited by the submitters: PubMed 33057194 (cited by Center for Genomic Medicine, Rigshospitalet, Copenhagen University Hospital); PubMed 31578471 (cited by Center for Genomic Medicine, Rigshospitalet, Copenhagen University Hospital); PubMed 33296143 (cited by Center for Genomic Medicine, Rigshospitalet, Copenhagen University Hospital).